The following is an entry in ClinVar:

NM_000271.5(NPC1):c.2551G>A (p.Ala851Thr)

Gene: NPC1 (NPC intracellular cholesterol transporter 1; minus strand). Cytogenetic location: 18q11.2.
Variant type: single nucleotide variant.
Coding change: c.2551G>A on transcript NM_000271.5 (MANE Select); coding-DNA position 2551, G replaced by A.
Protein change: p.Ala851Thr; replaces alanine 851 with threonine.
Molecular consequence: missense variant.
Genome position (GRCh38, 1-based): chr18:23,540,501, C>T on the plus strand (G>A on the coding strand, the complement: NPC1 is on the minus strand). VCF-style: chr18-23540501-C-T. GRCh37 (hg19) VCF-style: chr18-21120465-C-T.
Other names: c.2551G>A (NM_000271.4); short protein forms A851T.
Identifiers: ClinVar variation 1418462 (VCV001418462.4), dbSNP rs139297968, ClinGen allele CA8913054.

ClinVar aggregate classification (germline): Uncertain significance. Review status: criteria provided, multiple submitters, no conflicts (2 of 4 stars). 2 submissions from 2 submitters: Uncertain significance (2). Last evaluated 2024-09-26.

Conditions:
Niemann-Pick disease, type C1. Also called: NIEMANN-PICK DISEASE, VARIANT TYPE C1; NEUROVISCERAL STORAGE DISEASE WITH VERTICAL SUPRANUCLEAR OPHTHALMOPLEGIA; NIEMANN-PICK DISEASE WITH CHOLESTEROL ESTERIFICATION BLOCK; NIEMANN-PICK DISEASE WITHOUT SPHINGOMYELINASE DEFICIENCY; NIEMANN-PICK DISEASE, CHRONIC NEURONOPATHIC FORM. Identifiers: Orphanet 646, MedGen C3179455, MONDO:0009757, OMIM 257220.

Allele frequency attached by ClinVar (database versions not stated): gnomAD exomes 0.00001 and 0.00004; ExAC 0.00005; gnomAD 0.00006; TOPMed 0.00006; ESP Exome Variant Server 0.00015.
gnomAD v4.1: 25 of 1,612,628 alleles (0.0016%); highest among the groups gnomAD compares: African/African-American, 0.013%; no homozygotes.

Submissions (2):

GeneDx
Classification: Uncertain significance. Last evaluated: 2024-09-26. Review status: criteria provided, single submitter. Criteria: GeneDx Variant Classification Process June 2021. Collection method: clinical testing. Allele origin: germline. Affected: yes.
Comment: In silico analysis supports that this missense variant has a deleterious effect on protein structure/function; Has not been previously published in association with an NPC1-related disorder to our knowledge; This variant is associated with the following publications: (PMID: 25764212)

Labcorp Genetics (formerly Invitae), Labcorp
Classification: Uncertain significance for Niemann-Pick disease, type C1. Last evaluated: 2022-09-27. Review status: criteria provided, single submitter. Criteria: Invitae Variant Classification Sherloc (09022015). Collection method: clinical testing. Allele origin: germline.
Comment: This sequence change replaces alanine, which is neutral and non-polar, with threonine, which is neutral and polar, at codon 851 of the NPC1 protein (p.Ala851Thr). This variant is present in population databases (rs139297968, gnomAD 0.02%). This variant has not been reported in the literature in individuals affected with NPC1-related conditions. ClinVar contains an entry for this variant (Variation ID: 1418462). Advanced modeling of protein sequence and biophysical properties (such as structural, functional, and spatial information, amino acid conservation, physicochemical variation, residue mobility, and thermodynamic stability) performed at Invitae indicates that this missense variant is expected to disrupt NPC1 protein function. In summary, the available evidence is currently insufficient to determine the role of this variant in disease. Therefore, it has been classified as a Variant of Uncertain Significance.